The following is an entry in ClinVar:

ClinVar aggregate classification (germline): Uncertain significance. Review status: criteria provided, multiple submitters, no conflicts (2 of 4 stars). 2 submissions from 2 submitters: Uncertain significance (2). Last evaluated 2025-10-24.

Conditions:
Von Hippel-Lindau syndrome (VHLS). Also called: Von Hippel-Lindau; von Hippel–Lindau syndrome; VHL syndrome. Identifiers: Orphanet 892, MedGen C0019562, MONDO:0008667, OMIM 193300. Disease mechanism: loss of function.
Chuvash polycythemia. Also called: POLYCYTHEMIA, VHL-DEPENDENT. Identifiers: Orphanet 238557, MedGen C1837915, MONDO:0009892, OMIM 263400.
Hereditary cancer-predisposing syndrome. Also called: Tumor predisposition; Neoplastic Syndromes, Hereditary; Hereditary Cancer Syndrome; Hereditary neoplastic syndrome. Identifiers: Orphanet 140162, MedGen C0027672, MeSH D009386, MONDO:0015356.

Submissions (2):

Labcorp Genetics (formerly Invitae), Labcorp
Classification: Uncertain significance for Von Hippel-Lindau syndrome; Chuvash polycythemia. Last evaluated: 2025-10-24. Review status: criteria provided, single submitter. Criteria: Invitae Variant Classification Sherloc (09022015). Collection method: clinical testing. Allele origin: germline.
Comment: This sequence change replaces glycine, which is neutral and non-polar, with aspartic acid, which is acidic and polar, at codon 104 of the VHL protein (p.Gly104Asp). This variant is not present in population databases (gnomAD no frequency). This variant has not been reported in the literature in individuals affected with VHL-related conditions. ClinVar contains an entry for this variant (Variation ID: 3979718). Invitae Evidence Modeling of protein sequence and biophysical properties (such as structural, functional, and spatial information, amino acid conservation, physicochemical variation, residue mobility, and thermodynamic stability) indicates that this missense variant is expected to disrupt VHL protein function with a positive predictive value of 95%. Experimental studies have shown that this missense change does not substantially affect VHL function (PMID: 38969834). This variant disrupts the p.Gly104 amino acid residue in VHL. Other variant(s) that disrupt this residue have been determined to be pathogenic (internal data). This suggests that this residue is clinically significant, and that variants that disrupt this residue are likely to be disease-causing. In summary, the available evidence is currently insufficient to determine the role of this variant in disease. Therefore, it has been classified as a Variant of Uncertain Significance.

Ambry Genetics
Classification: Uncertain significance for Hereditary cancer-predisposing syndrome. Last evaluated: 2025-05-21. Review status: criteria provided, single submitter. Criteria: Ambry Variant Classification Scheme 2023. Collection method: clinical testing. Allele origin: germline.
Comment: The p.G104D variant (also known as c.311G>A), located in coding exon 1 of the VHL gene, results from a G to A substitution at nucleotide position 311. The glycine at codon 104 is replaced by aspartic acid, an amino acid with similar properties. This variant was determined to be functionally neutral in one saturation genome editing assay (Buckley M et al. Nat Genet, 2024 Jul;56:1446-1455). This amino acid position is highly conserved in available vertebrate species. In addition, this alteration is predicted to be deleterious by in silico analysis. Based on the available evidence, the clinical significance of this variant remains unclear.

Literature cited by the submitters: PubMed 38969834 (cited by Labcorp Genetics (formerly Invitae), Labcorp and Ambry Genetics).

NM_000551.4(VHL):c.311G>A (p.Gly104Asp)

Gene: VHL (von Hippel-Lindau tumor suppressor; plus strand). Cytogenetic location: 3p25.3.
Variant type: single nucleotide variant.
Coding change: c.311G>A on transcript NM_000551.4 (MANE Select); coding-DNA position 311, G replaced by A.
Protein change: p.Gly104Asp; replaces glycine 104 with aspartic acid.
Molecular consequence: missense variant. On other transcripts: non-coding transcript variant (1).
Genome position (GRCh38, 1-based): chr3:10,142,158, G>A. VCF-style: chr3-10142158-G-A. GRCh37 (hg19) VCF-style: chr3-10183842-G-A.
Other names: c.311G>A, p.Gly104Asp (NM_001354723.2, NM_198156.3); short protein forms G104D.
Identifiers: ClinVar variation 3979718 (VCV003979718.2).
Genomic context (GRCh38, chr3:10,142,158, plus strand): 5'-TGCTGCCCGTATGGCTCAACTTCGACGGCGAGCCGCAGCCCTACCCAACGCTGCCGCCTG[G>A]CACGGGCCGCCGCATCCACAGCTACCGAGGTACGGGCCCGGCGCTTAGGCCCGACCCAGC-3'
Protein context (NP_000542.1, residues 94-114): EPQPYPTLPP[Gly104Asp]TGRRIHSYRG